The following is an entry in ClinVar:

ClinVar aggregate classification (germline): Uncertain significance (1 of 4 stars; one submission).

Conditions:
Catecholaminergic polymorphic ventricular tachycardia 1. Also called: VENTRICULAR TACHYCARDIA, STRESS-INDUCED POLYMORPHIC 1; VENTRICULAR TACHYCARDIA, CATECHOLAMINERGIC POLYMORPHIC, 1, WITH OR WITHOUT ATRIAL DYSFUNCTION AND/OR DILATED CARDIOMYOPATHY; RYR2-Related Catecholaminergic Polymorphic Ventricular Tachycardia. Identifiers: Orphanet 3286, MedGen C1631597, MONDO:0011484, OMIM 604772.

Submission:

Labcorp Genetics (formerly Invitae), Labcorp
Classification: Uncertain significance for Catecholaminergic polymorphic ventricular tachycardia 1. Last evaluated: 2022-08-21. Review status: criteria provided, single submitter. Criteria: Invitae Variant Classification Sherloc (09022015). Collection method: clinical testing. Allele origin: germline.
Comment: In summary, the available evidence is currently insufficient to determine the role of this variant in disease. Therefore, it has been classified as a Variant of Uncertain Significance. Algorithms developed to predict the effect of missense changes on protein structure and function are either unavailable or do not agree on the potential impact of this missense change (SIFT: "Deleterious"; PolyPhen-2: "Benign"; Align-GVGD: "Class C0"). This variant has not been reported in the literature in individuals affected with CASQ2-related conditions. This variant is not present in population databases (gnomAD no frequency). This sequence change replaces valine, which is neutral and non-polar, with leucine, which is neutral and non-polar, at codon 336 of the CASQ2 protein (p.Val336Leu).

NM_001232.4(CASQ2):c.1006G>C (p.Val336Leu)

Gene: CASQ2 (calsequestrin 2; minus strand). Cytogenetic location: 1p13.1.
Variant type: single nucleotide variant.
Coding change: c.1006G>C on transcript NM_001232.4 (MANE Select); coding-DNA position 1006, G replaced by C.
Protein change: p.Val336Leu; replaces valine 336 with leucine.
Molecular consequence: missense variant.
Genome position (GRCh38, 1-based): chr1:115,702,929, C>G on the plus strand (G>C on the coding strand, the complement: CASQ2 is on the minus strand). VCF-style: chr1-115702929-C-G. GRCh37 (hg19) VCF-style: chr1-116245550-C-G.
Other names: short protein forms V336L.
Identifiers: ClinVar variation 1935332 (VCV001935332.5), dbSNP rs886045160, ClinGen allele CA341766586.